The following is an entry in ClinVar:

NM_002838.5(PTPRC):c.2940T>A (p.Tyr980Ter)

Gene: PTPRC (protein tyrosine phosphatase receptor type C; plus strand). Cytogenetic location: 1q32.1.
Variant type: single nucleotide variant.
Coding change: c.2940T>A on transcript NM_002838.5 (MANE Select); coding-DNA position 2940, T replaced by A.
Protein change: p.Tyr980Ter; replaces tyrosine 980 with a stop codon.
Molecular consequence: nonsense.
Genome position (GRCh38, 1-based): chr1:198,749,417, T>A. VCF-style: chr1-198749417-T-A. GRCh37 (hg19) VCF-style: chr1-198718546-T-A.
Other names: c.2457T>A, p.Tyr819Ter (NM_080921.4); short protein forms Y980*, Y819*.
Identifiers: ClinVar variation 962354 (VCV000962354.8), dbSNP rs779246448, ClinGen allele CA344052961.

ClinVar aggregate classification (germline): Pathogenic (1 of 4 stars; one submission).

Conditions:
Immunodeficiency 104. Also called: Severe combined immunodeficiency, autosomal recessive, T cell-negative, B cell-positive, NK cell-positive; IMMUNODEFICIENCY 104, SEVERE COMBINED; Severe Combined Immune Deficiency, Autosomal Recessive, TCell -Negative, B Cell-Positive, NK Cell-Positive, IL7R-Related; SCID, AUTOSOMAL RECESSIVE, T CELL-NEGATIVE, B CELL-POSITIVE, NK CELL-POSITIVE. Identifiers: MedGen C5676890, MONDO:0012163, OMIM 608971.

Submission:

Labcorp Genetics (formerly Invitae), Labcorp
Classification: Pathogenic for Immunodeficiency 104. Last evaluated: 2023-10-03. Review status: criteria provided, single submitter. Criteria: Invitae Variant Classification Sherloc (09022015). Collection method: clinical testing. Allele origin: germline.
Comment: This sequence change creates a premature translational stop signal (p.Tyr980*) in the PTPRC gene. It is expected to result in an absent or disrupted protein product. Loss-of-function variants in PTPRC are known to be pathogenic (PMID: 10700239). This variant is not present in population databases (gnomAD no frequency). This variant has not been reported in the literature in individuals affected with PTPRC-related conditions. ClinVar contains an entry for this variant (Variation ID: 962354). Algorithms developed to predict the effect of sequence changes on RNA splicing suggest that this variant may create or strengthen a splice site. For these reasons, this variant has been classified as Pathogenic.

Literature cited by the submitters: PubMed 10700239.